The following is an entry in ClinVar:

NM_173728.4(ARHGEF15):c.356C>A (p.Pro119His)

Gene: ARHGEF15 (Rho guanine nucleotide exchange factor 15; plus strand). Cytogenetic location: 17p13.1.
Variant type: single nucleotide variant.
Coding change: c.356C>A on transcript NM_173728.4 (MANE Select); coding-DNA position 356, C replaced by A.
Protein change: p.Pro119His; replaces proline 119 with histidine.
Molecular consequence: missense variant.
Genome position (GRCh38, 1-based): chr17:8,312,395, C>A. VCF-style: chr17-8312395-C-A. GRCh37 (hg19) VCF-style: chr17-8215713-C-A.
Other names: c.356C>A, p.Pro119His (NM_025014.2); short protein forms P119H.
Identifiers: ClinVar variation 3005518 (VCV003005518.3), dbSNP rs1240171315, ClinGen allele CA398014332.

ClinVar aggregate classification (germline): Uncertain significance (1 of 4 stars; one submission).

Conditions:
Early-infantile DEE. Also called: Early infantile epileptic encephalopathy; Ohtahara syndrome; Early infantile epileptic encephalopathy with suppression bursts. Identifiers: Orphanet 1934, MedGen C0393706, MONDO:0800491.

Submission:

Labcorp Genetics (formerly Invitae), Labcorp
Classification: Uncertain significance for Early-infantile DEE. Last evaluated: 2026-01-05. Review status: criteria provided, single submitter. Criteria: Invitae Variant Classification Sherloc (09022015). Collection method: clinical testing. Allele origin: germline.
Comment: This sequence change replaces proline, which is neutral and non-polar, with histidine, which is basic and polar, at codon 119 of the ARHGEF15 protein (p.Pro119His). This variant is not present in population databases (gnomAD no frequency). This variant has not been reported in the literature in individuals affected with ARHGEF15-related conditions. ClinVar contains an entry for this variant (Variation ID: 3005518). An algorithm developed to predict the effect of missense changes on protein structure and function (PolyPhen-2) suggests that this variant is likely to be disruptive. In summary, the available evidence is currently insufficient to determine the role of this variant in disease. Therefore, it has been classified as a Variant of Uncertain Significance.